The following is an entry in ClinVar:

NM_000843.4(GRM6):c.2233G>A (p.Asp745Asn)

Genes: GRM6 (glutamate metabotropic receptor 6; minus strand), ZNF454 (zinc finger protein 454; plus strand). Cytogenetic location: 5q35.3.
Variant type: single nucleotide variant.
Coding change: c.2233G>A on transcript NM_000843.4 (MANE Select); coding-DNA position 2233, G replaced by A.
Protein change: p.Asp745Asn; replaces aspartic acid 745 with asparagine.
Molecular consequence: missense variant.
Genome position (GRCh38, 1-based): chr5:178,983,113, C>T on the plus strand (G>A on the coding strand, the complement: GRM6 is on the minus strand). VCF-style: chr5-178983113-C-T. GRCh37 (hg19) VCF-style: chr5-178410114-C-T.
Other names: short protein forms D745N.
Identifiers: ClinVar variation 957311 (VCV000957311.9), dbSNP rs182931837, ClinGen allele CA3593593.

ClinVar aggregate classification (germline): Uncertain significance. Review status: criteria provided, multiple submitters, no conflicts (2 of 4 stars). 3 submissions from 3 submitters: Uncertain significance (3). Last evaluated 2024-11-18.

Conditions:
Inborn genetic diseases. Identifiers: MedGen C0950123, MeSH D030342.

Allele frequency attached by ClinVar (database versions not stated): ExAC 0.00002; gnomAD 0.00002; gnomAD exomes 0.00002; TOPMed 0.00004; ESP Exome Variant Server 0.00008; 1000 Genomes Project 30x 0.00016; 1000 Genomes Project 0.00020.
gnomAD v4.1: 39 of 1,614,100 alleles (0.0024%); highest among the groups gnomAD compares: Middle Eastern, 0.017%; no homozygotes.

Submissions (3):

Blueprint Genetics
Classification: Uncertain significance. Last evaluated: 2024-11-18. Review status: criteria provided, single submitter. Criteria: ACMG Guidelines, 2015. Collection method: clinical testing. Allele origin: germline.

Ambry Genetics
Classification: Uncertain significance for Inborn genetic diseases. Last evaluated: 2024-11-07. Review status: criteria provided, single submitter. Criteria: Ambry Variant Classification Scheme 2023. Collection method: clinical testing. Allele origin: germline.

Labcorp Genetics (formerly Invitae), Labcorp
Classification: Uncertain significance. Last evaluated: 2022-06-26. Review status: criteria provided, single submitter. Criteria: Invitae Variant Classification Sherloc (09022015). Collection method: clinical testing. Allele origin: germline.
Comment: This sequence change replaces aspartic acid, which is acidic and polar, with asparagine, which is neutral and polar, at codon 745 of the GRM6 protein (p.Asp745Asn). This variant is present in population databases (rs182931837, gnomAD 0.007%). This variant has not been reported in the literature in individuals affected with GRM6-related conditions. ClinVar contains an entry for this variant (Variation ID: 957311). Algorithms developed to predict the effect of missense changes on protein structure and function (SIFT, PolyPhen-2, Align-GVGD) all suggest that this variant is likely to be tolerated. In summary, the available evidence is currently insufficient to determine the role of this variant in disease. Therefore, it has been classified as a Variant of Uncertain Significance.